The following is an entry in ClinVar:

NM_018127.7(ELAC2):c.415T>C (p.Ser139Pro)

Gene: ELAC2 (elaC ribonuclease Z 2; minus strand). Cytogenetic location: 17p12.
Variant type: single nucleotide variant.
Coding change: c.415T>C on transcript NM_018127.7 (MANE Select); coding-DNA position 415, T replaced by C.
Protein change: p.Ser139Pro; replaces serine 139 with proline.
Molecular consequence: missense variant.
Genome position (GRCh38, 1-based): chr17:13,015,785, A>G on the plus strand (T>C on the coding strand, the complement: ELAC2 is on the minus strand). VCF-style: chr17-13015785-A-G. GRCh37 (hg19) VCF-style: chr17-12919102-A-G.
Other names: c.415T>C, p.Ser139Pro (NM_001165962.2, NM_173717.2); short protein forms S139P.
Identifiers: ClinVar variation 2195971 (VCV002195971.3), dbSNP rs2508382424, ClinGen allele CA398218190.
Genomic context (GRCh38, chr17:13,015,785, plus strand): 5'-AAAGGAAAGATTGCTTTTGAAAGATGTGTCAGGAAAGACTCACCAGTTGTGGAGGTCCAG[A>G]AAGTACACACTTTGGAAGCCCGGTTTCCTTTAAAGTAAGAATCATTCCTAAAAAGGATGC-3'
Protein context (NP_060597.4, residues 129-149): KETGLPKCVL[Ser139Pro]GPPQLEKYLE

ClinVar aggregate classification (germline): Uncertain significance (1 of 4 stars; one submission).

Conditions:
Combined oxidative phosphorylation defect type 17. Also called: Combined oxidative phosphorylation deficiency 17. Identifiers: Orphanet 369913, MedGen C3809526, MONDO:0014190, OMIM 615440.

Allele frequency attached by ClinVar (database versions not stated): gnomAD exomes below 0.00001.
gnomAD v4.1: 2 of 1,614,084 alleles (0.00012%); highest among the groups gnomAD compares: East Asian, 0.0022%; no homozygotes.

Submission:

Labcorp Genetics (formerly Invitae), Labcorp
Classification: Uncertain significance for Combined oxidative phosphorylation defect type 17. Last evaluated: 2023-12-14. Review status: criteria provided, single submitter. Criteria: Invitae Variant Classification Sherloc (09022015). Collection method: clinical testing. Allele origin: germline.
Comment: This sequence change replaces serine, which is neutral and polar, with proline, which is neutral and non-polar, at codon 139 of the ELAC2 protein (p.Ser139Pro). This variant is not present in population databases (gnomAD no frequency). This variant has not been reported in the literature in individuals affected with ELAC2-related conditions. ClinVar contains an entry for this variant (Variation ID: 2195971). Advanced modeling of protein sequence and biophysical properties (such as structural, functional, and spatial information, amino acid conservation, physicochemical variation, residue mobility, and thermodynamic stability) performed at Invitae indicates that this missense variant is expected to disrupt ELAC2 protein function with a positive predictive value of 80%. In summary, the available evidence is currently insufficient to determine the role of this variant in disease. Therefore, it has been classified as a Variant of Uncertain Significance.